The following is an entry in ClinVar:

ClinVar aggregate classification (germline): Likely benign. Review status: criteria provided, multiple submitters, no conflicts (2 of 4 stars). 4 submissions from 4 submitters: Likely benign (4). Last evaluated 2026-01-20.

Conditions:
Mitochondrial complex V (ATP synthase) deficiency, nuclear type 2. Also called: Nuclear-Encoded ATPase Deficiency, TMEM70-Related; MITOCHONDRIAL COMPLEX V (ATP SYNTHASE) DEFICIENCY, TMEM70 TYPE; ENCEPHALOCARDIOMYOPATHY, MITOCHONDRIAL, NEONATAL, DUE TO ATP SYNTHASE DEFICIENCY. Identifiers: Orphanet 1194, MedGen C3279699, MONDO:0013546, OMIM 614052.

Allele frequency attached by ClinVar (database versions not stated): gnomAD exomes 0.00003 and 0.00014; gnomAD 0.00004 and 0.00006; ExAC 0.00010; TOPMed 0.00014; 1000 Genomes Project 30x 0.00016.
gnomAD v4.1: 55 of 1,600,864 alleles (0.0034%); highest among the groups gnomAD compares: Admixed American, 0.073%; no homozygotes.

Submissions (4):

Labcorp Genetics (formerly Invitae), Labcorp
Classification: Likely benign for Mitochondrial complex V (ATP synthase) deficiency, nuclear type 2. Last evaluated: 2026-01-20. Review status: criteria provided, single submitter. Criteria: Invitae Variant Classification Sherloc (09022015). Collection method: clinical testing. Allele origin: germline.

Mayo Clinic Laboratories, Mayo Clinic
Classification: Likely benign. Last evaluated: 2025-10-19. Review status: criteria provided, single submitter. Criteria: ACMG Guidelines, 2015. Collection method: clinical testing. Allele origin: germline. Observed: 1 variant allele.
Comment: BP4, BP7

Blueprint Genetics
Classification: Likely benign. Last evaluated: 2022-12-21. Review status: criteria provided, single submitter. Criteria: ACMG Guidelines, 2015. Collection method: clinical testing. Allele origin: germline.

GeneDx
Classification: Likely benign. Last evaluated: 2017-11-16. Review status: criteria provided, single submitter. Criteria: GeneDx Variant Classification (06012015). Collection method: clinical testing. Allele origin: germline. Affected: yes.
Comment: This variant is considered likely benign or benign based on one or more of the following criteria: it is a conservative change, it occurs at a poorly conserved position in the protein, it is predicted to be benign by multiple in silico algorithms, and/or has population frequency not consistent with disease.

NM_017866.6(TMEM70):c.42G>A (p.Leu14=)

Gene: TMEM70 (transmembrane protein 70; plus strand). Cytogenetic location: 8q21.11.
Variant type: single nucleotide variant.
Coding change: c.42G>A on transcript NM_017866.6 (MANE Select); coding-DNA position 42, G replaced by A.
Protein change: p.Leu14=; no amino-acid change (leucine 14 retained).
Molecular consequence: synonymous variant. On other transcripts: non-coding transcript variant (1).
Genome position (GRCh38, 1-based): chr8:73,976,323, G>A. VCF-style: chr8-73976323-G-A. GRCh37 (hg19) VCF-style: chr8-74888558-G-A.
Other names: p.Leu14=; c.42G>A, p.Leu14= (NM_001040613.3).
Identifiers: ClinVar variation 513097 (VCV000513097.14), dbSNP rs747372086, ClinGen allele CA4783930.
Genomic context (GRCh38, chr8:73,976,323, plus strand): 5'-GCCGCTCGTCACCCGCGTGATGCTGTTTCTGGCGTTGGGCAGCCCGTGGGCGGTCGAACT[G>A]CCTCTCTGCGGAAGGAGGACTGCATTGTGTGCGGCCGCCGCGCTCCGAGGTCCCCGGGCC-3'
Protein context (NP_060336.3, residues 4-24): LALGSPWAVE[Leu14=]PLCGRRTALC